The following is an entry in ClinVar:

NM_006206.6(PDGFRA):c.2336A>G (p.Lys779Arg)

Gene: PDGFRA (platelet derived growth factor receptor alpha; plus strand). Cytogenetic location: 4q12.
Variant type: single nucleotide variant.
Coding change: c.2336A>G on transcript NM_006206.6 (MANE Select); coding-DNA position 2336, A replaced by G.
Protein change: p.Lys779Arg; replaces lysine 779 with arginine.
Molecular consequence: missense variant.
Genome position (GRCh38, 1-based): chr4:54,285,383, A>G. VCF-style: chr4-54285383-A-G. GRCh37 (hg19) VCF-style: chr4-55151550-A-G.
Other names: c.2411A>G, p.Lys804Arg (NM_001347828.2); c.2336A>G, p.Lys779Arg (NM_001347829.2); c.2375A>G, p.Lys792Arg (NM_001347830.2); short protein forms K792R, K779R, K804R.
Identifiers: ClinVar variation 2134094 (VCV002134094.4), dbSNP rs2475545637, ClinGen allele CA356894604.

ClinVar aggregate classification (germline): Uncertain significance (1 of 4 stars; one submission).

Conditions:
Gastrointestinal stromal tumor. Also called: Gastrointestinal stroma tumor; Gastrointestinal stromal tumor, somatic. Identifiers: Orphanet 44890, MedGen C0238198, MeSH D046152, MONDO:0011719, OMIM 606764, HP:0100723.

Submission:

Labcorp Genetics (formerly Invitae), Labcorp
Classification: Uncertain significance for Gastrointestinal stromal tumor. Last evaluated: 2022-05-05. Review status: criteria provided, single submitter. Criteria: Invitae Variant Classification Sherloc (09022015). Collection method: clinical testing. Allele origin: germline.
Comment: This sequence change replaces lysine, which is basic and polar, with arginine, which is basic and polar, at codon 779 of the PDGFRA protein (p.Lys779Arg). This variant is not present in population databases (gnomAD no frequency). Algorithms developed to predict the effect of missense changes on protein structure and function (SIFT, PolyPhen-2, Align-GVGD) all suggest that this variant is likely to be tolerated. In summary, the available evidence is currently insufficient to determine the role of this variant in disease. Therefore, it has been classified as a Variant of Uncertain Significance. This variant has not been reported in the literature in individuals affected with PDGFRA-related conditions.